The following is an entry in ClinVar:

NM_016026.4(RDH11):c.175A>G (p.Lys59Glu)

Genes: GPHN (gephyrin; plus strand), RDH11 (retinol dehydrogenase 11; minus strand). Cytogenetic location: 14q24.1.
Variant type: single nucleotide variant.
Coding change: c.175A>G on transcript NM_016026.4 (MANE Select); coding-DNA position 175, A replaced by G.
Protein change: p.Lys59Glu; replaces lysine 59 with glutamic acid.
Molecular consequence: missense variant.
Genome position (GRCh38, 1-based): chr14:67,692,952, T>C on the plus strand (A>G on the coding strand, the complement: RDH11 is on the minus strand). VCF-style: chr14-67692952-T-C. GRCh37 (hg19) VCF-style: chr14-68159669-T-C.
Other names: c.175A>G, p.Lys59Glu (NM_001252650.2); short protein forms K59E.
Identifiers: ClinVar variation 839756 (VCV000839756.8), dbSNP rs765095549, ClinGen allele CA7238484.
Genomic context (GRCh38, chr14:67,692,952, plus strand): 5'-AAACAGCAGTAATAGGAGGGAATTGAAAGGAGGTGAACTTGCCTCTCTGAGCCAGCTCTT[T>C]GGCTGTCTCCTTCCCGATACCTGTATTAGCTCCTGTGACCACAACTACTTTCCCAGGAAG-3'
Protein context (NP_057110.3, residues 49-69): ANTGIGKETA[Lys59Glu]ELAQRGARVY

ClinVar aggregate classification (germline): Uncertain significance (1 of 4 stars; one submission).

Allele frequency attached by ClinVar (database versions not stated): ExAC 0.00001; gnomAD 0.00001; gnomAD exomes 0.00001 and 0.00002.
gnomAD v4.1: 4 of 1,612,806 alleles (0.00025%); highest among the groups gnomAD compares: East Asian, 0.0089%; no homozygotes.

Submission:

Labcorp Genetics (formerly Invitae), Labcorp
Classification: Uncertain significance. Last evaluated: 2022-10-18. Review status: criteria provided, single submitter. Criteria: Invitae Variant Classification Sherloc (09022015). Collection method: clinical testing. Allele origin: germline.
Comment: This sequence change replaces lysine, which is basic and polar, with glutamic acid, which is acidic and polar, at codon 59 of the RDH11 protein (p.Lys59Glu). This variant is present in population databases (rs765095549, gnomAD 0.03%). This variant has not been reported in the literature in individuals affected with RDH11-related conditions. ClinVar contains an entry for this variant (Variation ID: 839756). Algorithms developed to predict the effect of missense changes on protein structure and function are either unavailable or do not agree on the potential impact of this missense change (SIFT: "Tolerated"; PolyPhen-2: "Possibly Damaging"; Align-GVGD: "Class C0"). In summary, the available evidence is currently insufficient to determine the role of this variant in disease. Therefore, it has been classified as a Variant of Uncertain Significance.